The following is an entry in ClinVar:

ClinVar aggregate classification (germline): Likely benign (1 of 4 stars; one submission).

Allele frequency attached by ClinVar (database versions not stated): gnomAD 0.00001; gnomAD exomes 0.00002; TOPMed 0.00005; ExAC 0.00006.

Submission:

CeGaT Center for Human Genetics Tuebingen
Classification: Likely benign. Last evaluated: 2022-03-01. Review status: criteria provided, single submitter. Criteria: CeGaT Center For Human Genetics Tuebingen Variant Classification Criteria Version 2. Collection method: clinical testing. Allele origin: germline. Affected: yes. Observed: 1 variant allele.
Comment: PPL: BP4, BP7

NM_002705.5(PPL):c.4098C>T (p.Ala1366=)

Gene: PPL (periplakin; minus strand). Cytogenetic location: 16p13.3.
Variant type: single nucleotide variant.
Coding change: c.4098C>T on transcript NM_002705.5 (MANE Select); coding-DNA position 4098, C replaced by T.
Protein change: p.Ala1366=; no amino-acid change (alanine 1366 retained).
Molecular consequence: synonymous variant.
Genome position (GRCh38, 1-based): chr16:4,884,557, G>A on the plus strand (C>T on the coding strand, the complement: PPL is on the minus strand). VCF-style: chr16-4884557-G-A. GRCh37 (hg19) VCF-style: chr16-4934558-G-A.
Identifiers: ClinVar variation 2646165 (VCV002646165.24), dbSNP rs763556089, ClinGen allele CA7885503.